The following is an entry in ClinVar:

NM_001379451.1(BCORL1):c.3781A>G (p.Thr1261Ala)

Gene: BCORL1 (BCL6 corepressor like 1; plus strand). Cytogenetic location: Xq26.1.
Variant type: single nucleotide variant.
Coding change: c.3781A>G on transcript NM_001379451.1 (MANE Select); coding-DNA position 3781, A replaced by G.
Protein change: p.Thr1261Ala; replaces threonine 1261 with alanine.
Molecular consequence: missense variant.
Genome position (GRCh38, 1-based): chrX:130,025,082, A>G. VCF-style: chrX-130025082-A-G. GRCh37 (hg19) VCF-style: chrX-129159057-A-G.
Other names: c.3781A>G, p.Thr1261Ala (NM_001184772.3, NM_001379450.1, NM_021946.5); short protein forms T1261A.
Identifiers: ClinVar variation 3384488 (VCV003384488.1).

ClinVar aggregate classification (germline): Uncertain significance (1 of 4 stars; one submission).

gnomAD v4.1: 1 of 1,211,285 alleles (0.000083%); highest among the groups gnomAD compares: African/African-American, 0.0017%; no homozygotes.

Submission:

GeneDx
Classification: Uncertain significance. Last evaluated: 2024-05-29. Review status: criteria provided, single submitter. Criteria: GeneDx Variant Classification Process June 2021. Collection method: clinical testing. Allele origin: germline. Affected: yes.
Comment: Not observed at significant frequency in large population cohorts (gnomAD); In silico analysis indicates that this missense variant does not alter protein structure/function; Has not been previously published as pathogenic or benign to our knowledge